The following is an entry in ClinVar:

ClinVar aggregate classification (germline): Pathogenic (1 of 4 stars; one submission).

Conditions:
Nemaline myopathy 2 (NEM2). Also called: Nemaline myopathy 2, autosomal recessive. Identifiers: MedGen C1850569, MONDO:0009725, OMIM 256030.

Submission:

Myriad Genetics, Inc.
Classification: Pathogenic for Nemaline myopathy 2. Last evaluated: 2023-08-18. Review status: criteria provided, single submitter. Criteria: Myriad Autosomal Dominant, Autosomal Recessive and X-Linked Classification Criteria (2023). Collection method: clinical testing. Allele origin: unknown.
Comment: NM_001271208.1(NEB):c.4181delA(K1394Rfs*26) is expected to be pathogenic in the context of NEB-related nemaline myopathy. This variant is predicted to lead to an abnormal or absent protein product due to the creation of a premature termination codon in NEB, a gene where loss-of-function variants are known to be pathogenic. Please note: this variant was assessed in the context of healthy population screening.

NM_001164508.2(NEB):c.4181del (p.Lys1394fs)

Gene: NEB (nebulin; minus strand). Cytogenetic location: 2q23.3.
Variant type: Deletion.
Coding change: c.4181del on transcript NM_001164508.2 (MANE Select); coding-DNA position 4181, one base deleted (A; older notation c.4181delA).
Protein change: p.Lys1394fs; shifts the reading frame from lysine 1394.
Molecular consequence: frameshift variant.
Genome position (GRCh38, 1-based): chr2:151,672,487, T deleted on the plus strand (A on the coding strand, the reverse complement: NEB is on the minus strand); the first of 3 consecutive T bases (chr2:151,672,487-151,672,489); deleting any one gives the same sequence. VCF-style (leftmost placement, unchanged base first): chr2-151672486-CT-C. GRCh37 (hg19) VCF-style: chr2-152529000-CT-C.
Other names: c.4181del, p.Lys1394fs (NM_001164507.2, NM_001271208.2, NM_004543.5); short protein forms K1394fs.
Identifiers: ClinVar variation 5011381 (VCV005011381.1).